The following is an entry in ClinVar:

ClinVar aggregate classification (germline): Uncertain significance (1 of 4 stars; one submission).

Conditions:
Autosomal dominant polycystic kidney disease. Identifiers: Orphanet 730, MedGen C0085413, MONDO:0004691.

Submission:

Labcorp Genetics (formerly Invitae), Labcorp
Classification: Uncertain significance for Autosomal dominant polycystic kidney disease. Last evaluated: 2018-10-24. Review status: criteria provided, single submitter. Criteria: Invitae Variant Classification Sherloc (09022015). Collection method: clinical testing. Allele origin: germline.
Comment: In summary, the available evidence is currently insufficient to determine the role of this variant in disease. Therefore, it has been classified as a Variant of Uncertain Significance. This variant disrupts the p.Arg322 amino acid residue in PKD2. Other variant that disrupts this residue has been observed in affected individuals (PMID: 11968093, 23300259, 17100995), suggesting that it is a clinically significant residue. As a result, variants that disrupt this residue are likely to be causative of disease. Algorithms developed to predict the effect of missense changes on protein structure and function are either unavailable or do not agree on the potential impact of this missense change (SIFT: "Deleterious"; PolyPhen-2: "Probably Damaging"; Align-GVGD: "Class C0"). This variant has not been reported in the literature in individuals with PKD2-related disease. This variant is not present in population databases (ExAC no frequency). This sequence change replaces arginine with leucine at codon 322 of the PKD2 protein (p.Arg322Leu). The arginine residue is highly conserved and there is a moderate physicochemical difference between arginine and leucine.

Literature cited by the submitters: PubMed 11968093; PubMed 23300259; PubMed 17100995.

NM_000297.4(PKD2):c.965G>T (p.Arg322Leu)

Gene: PKD2 (polycystin 2, transient receptor potential cation channel; plus strand). Cytogenetic location: 4q22.1.
Variant type: single nucleotide variant.
Coding change: c.965G>T on transcript NM_000297.4 (MANE Select); coding-DNA position 965, G replaced by T.
Protein change: p.Arg322Leu; replaces arginine 322 with leucine.
Molecular consequence: missense variant. On other transcripts: non-coding transcript variant (1).
Genome position (GRCh38, 1-based): chr4:88,038,372, G>T. VCF-style: chr4-88038372-G-T. GRCh37 (hg19) VCF-style: chr4-88959524-G-T.
Other names: short protein forms R322L.
Identifiers: ClinVar variation 646138 (VCV000646138.8), dbSNP rs145877597, ClinGen allele CA357632800.